The following is an entry in ClinVar:

ClinVar aggregate classification (germline): Uncertain significance (1 of 4 stars; one submission).

Conditions:
Vici syndrome (VICIS). Identifiers: Orphanet 1493, MedGen C1855772, MONDO:0009452, OMIM 242840.

Submission:

Labcorp Genetics (formerly Invitae), Labcorp
Classification: Uncertain significance for Vici syndrome. Last evaluated: 2020-05-12. Review status: criteria provided, single submitter. Criteria: Invitae Variant Classification Sherloc (09022015). Collection method: clinical testing. Allele origin: germline.
Comment: This variant is not present in population databases (ExAC no frequency). This variant has not been reported in the literature in individuals with EPG5-related conditions. Algorithms developed to predict the effect of sequence changes on RNA splicing suggest that this variant may create or strengthen a splice site, but this prediction has not been confirmed by published transcriptional studies. In summary, the available evidence is currently insufficient to determine the role of this variant in disease. Therefore, it has been classified as a Variant of Uncertain Significance. This variant, c.1131_1132insGGCCAG, results in the insertion of 2 amino acid(s) to the EPG5 protein (p.Gln377_Thr378insGlyGln), but otherwise preserves the integrity of the reading frame.

NM_020964.3(EPG5):c.1131_1132insGGCCAG (p.Gln377_Thr378insGlyGln)

Gene: EPG5 (ectopic P-granules 5 autophagy tethering factor; minus strand). Cytogenetic location: 18q21.1.
Variant type: Insertion.
Coding change: c.1131_1132insGGCCAG on transcript NM_020964.3 (MANE Select); coding-DNA positions 1131 to 1132, GGCCAG inserted.
Protein change: p.Gln377_Thr378insGlyGln.
Molecular consequence: inframe insertion.
Genome position: GRCh38 VCF-style: chr18-45952520-T-TCTGGCC. GRCh37 (hg19) VCF-style: chr18-43532486-T-TCTGGCC.
Identifiers: ClinVar variation 1062339 (VCV001062339.10), dbSNP rs2143747690, ClinGen allele CA2499225162.
Genomic context (GRCh38, chr18:45,952,520, plus strand): 5'-AGATGTAAGACTCCACTTGCAATCTTGAGAGCACAGAAGTATAAGAATGAAGGGCCAGGG[T>TCTGGCC]CTGGTGGAGGTGCTCAGATTTGGCATCGAATAGCTTCTTTAGCTCCACCAGTGCATTTTC-3'